The following is an entry in ClinVar:

NM_005359.6(SMAD4):c.1124C>A (p.Ala375Asp)

Gene: SMAD4 (SMAD family member 4; plus strand). Cytogenetic location: 18q21.2.
Variant type: single nucleotide variant.
Coding change: c.1124C>A on transcript NM_005359.6 (MANE Select); coding-DNA position 1124, C replaced by A.
Protein change: p.Ala375Asp; replaces alanine 375 with aspartic acid.
Molecular consequence: missense variant. On other transcripts: non-coding transcript variant (2).
Genome position (GRCh38, 1-based): chr18:51,065,591, C>A. VCF-style: chr18-51065591-C-A. GRCh37 (hg19) VCF-style: chr18-48591961-C-A.
Other names: c.1124C>A, p.Ala375Asp (NM_001407041.1, NM_001407042.1, NM_001407043.1); short protein forms A375D.
Identifiers: ClinVar variation 4170051 (VCV004170051.1).

ClinVar aggregate classification (germline): Uncertain significance (1 of 4 stars; one submission).

Conditions:
Familial thoracic aortic aneurysm and aortic dissection (TAAD). Also called: Thoracic aortic aneurysms and dissections. Identifiers: Orphanet 91387, MedGen C4707243, MONDO:0019625.
Hereditary cancer-predisposing syndrome. Also called: Neoplastic Syndromes, Hereditary; Tumor predisposition; Hereditary Cancer Syndrome; Hereditary neoplastic syndrome. Identifiers: Orphanet 140162, MedGen C0027672, MeSH D009386, MONDO:0015356.

Submission:

Ambry Genetics
Classification: Uncertain significance for Hereditary cancer-predisposing syndrome; Familial thoracic aortic aneurysm and aortic dissection. Last evaluated: 2025-08-20. Review status: criteria provided, single submitter. Criteria: Ambry Variant Classification Scheme 2023. Collection method: clinical testing. Allele origin: germline.
Comment: The p.A375D variant (also known as c.1124C>A), located in coding exon 8 of the SMAD4 gene, results from a C to A substitution at nucleotide position 1124. The alanine at codon 375 is replaced by aspartic acid, an amino acid with dissimilar properties. This amino acid position is conserved. In addition, this alteration is predicted to be deleterious by in silico analysis. Based on the available evidence, the clinical significance of this variant remains unclear.